The following is an entry in ClinVar:

NM_006030.4(CACNA2D2):c.1152C>T (p.Asn384=)

Gene: CACNA2D2 (calcium voltage-gated channel auxiliary subunit alpha2delta 2; minus strand). Cytogenetic location: 3p21.31.
Variant type: single nucleotide variant.
Coding change: c.1152C>T on transcript NM_006030.4 (MANE Select); coding-DNA position 1152, C replaced by T.
Protein change: p.Asn384=; no amino-acid change (asparagine 384 retained).
Molecular consequence: synonymous variant.
Genome position (GRCh38, 1-based): chr3:50,379,432, G>A on the plus strand (C>T on the coding strand, the complement: CACNA2D2 is on the minus strand). VCF-style: chr3-50379432-G-A. GRCh37 (hg19) VCF-style: chr3-50416863-G-A.
Other names: c.1152C>T, p.Asn384= (NM_001005505.3, NM_001174051.3); c.945C>T, p.Asn315= (NM_001291101.1).
Identifiers: ClinVar variation 1523100 (VCV001523100.7), dbSNP rs764348467, ClinGen allele CA2418984.

ClinVar aggregate classification (germline): Uncertain significance (1 of 4 stars; one submission).

Conditions:
Early-infantile DEE. Also called: Early infantile epileptic encephalopathy; Ohtahara syndrome; Early infantile epileptic encephalopathy with suppression bursts. Identifiers: Orphanet 1934, MedGen C0393706, MONDO:0800491.

Allele frequency attached by ClinVar (database versions not stated): ExAC 0.00003; gnomAD exomes 0.00003; gnomAD 0.00005.
gnomAD v4.1: 29 of 1,613,174 alleles (0.0018%); highest among the groups gnomAD compares: East Asian, 0.016%; 1 homozygote.

Submission:

Labcorp Genetics (formerly Invitae), Labcorp
Classification: Uncertain significance for Early-infantile DEE. Last evaluated: 2025-10-13. Review status: criteria provided, single submitter. Criteria: Invitae Variant Classification Sherloc (09022015). Collection method: clinical testing. Allele origin: germline.
Comment: This sequence change affects codon 384 of the CACNA2D2 mRNA. It is a 'silent' change, meaning that it does not change the encoded amino acid sequence of the CACNA2D2 protein. It affects a nucleotide within the consensus splice site. The frequency data for this variant in the population databases is considered unreliable, as metrics indicate poor data quality at this position in the gnomAD database. This variant has not been reported in the literature in individuals affected with CACNA2D2-related conditions. ClinVar contains an entry for this variant (Variation ID: 1523100). Algorithms developed to predict the effect of sequence changes on RNA splicing suggest that this variant is not likely to affect RNA splicing. In summary, the available evidence is currently insufficient to determine the role of this variant in disease. Therefore, it has been classified as a Variant of Uncertain Significance.